The following is an entry in ClinVar:

ClinVar aggregate classification (germline): Conflicting classifications of pathogenicity. Review status: criteria provided, conflicting classifications (1 of 4 stars). 5 submissions from 5 submitters: Uncertain significance (2); Likely benign (2). 1 of the submissions does not count toward it. Last evaluated 2026-01-27.

Conditions:
Colorectal cancer, hereditary nonpolyposis, type 7. Identifiers: Orphanet 144, MedGen C1858380, MONDO:0013725, OMIM 614385.
Endometrial carcinoma. Also called: Endometrial carcinoma, somatic. Identifiers: MedGen C0476089, MONDO:0002447, OMIM 608089, HP:0012114.
Colorectal cancer. Also called: Malignant Colorectal Neoplasm; Colorectal cancer, somatic. Identifiers: MedGen C0346629, MONDO:0005575, OMIM 114500.
MLH3-related disorder. Also called: MLH3-related condition.

Allele frequency attached by ClinVar (database versions not stated): gnomAD exomes 0.00004 and 0.00014; ESP Exome Variant Server 0.00008; gnomAD 0.00008 and 0.00009; TOPMed 0.00009; ExAC 0.00011; 1000 Genomes Project 30x 0.00016; 1000 Genomes Project 0.00020.
gnomAD v4.1: 108 of 1,614,078 alleles (0.0067%); highest among the groups gnomAD compares: East Asian, 0.14%; no homozygotes.

Submissions (5):

Labcorp Genetics (formerly Invitae), Labcorp
Classification: Likely benign for Colorectal cancer, hereditary nonpolyposis, type 7. Last evaluated: 2026-01-27. Review status: criteria provided, single submitter. Criteria: Invitae Variant Classification Sherloc (09022015). Collection method: clinical testing. Allele origin: germline.

Center for Genomic Medicine, Rigshospitalet, Copenhagen University Hospital
Classification: Uncertain significance. Last evaluated: 2025-03-04. Review status: criteria provided, single submitter. Criteria: ACMG Guidelines, 2015. Collection method: clinical testing. Allele origin: germline.

Ambry Genetics
Classification: Uncertain significance. Last evaluated: 2023-03-17. Review status: criteria provided, single submitter. Criteria: Ambry Variant Classification Scheme 2023. Collection method: clinical testing. Allele origin: germline.

Department of Pathology and Laboratory Medicine, Sinai Health System
Classification: Likely benign for Colorectal cancer; Endometrial carcinoma; Colorectal cancer, hereditary nonpolyposis, type 7. Last evaluated: 2023-01-10. Review status: criteria provided, single submitter. Criteria: ACMG Guidelines, 2015. Collection method: clinical testing. Allele origin: germline. Affected: yes.

PreventionGenetics, part of Exact Sciences
Classification: Likely benign for MLH3-related condition. Last evaluated: 2022-10-03. Review status: no assertion criteria provided. Collection method: clinical testing. Allele origin: germline. Not counted in ClinVar's aggregate classification.
Comment: This variant is classified as likely benign based on ACMG/AMP sequence variant interpretation guidelines (Richards et al. 2015 PMID: 25741868, with internal and published modifications).

NM_001040108.2(MLH3):c.2356G>A (p.Val786Ile)

Gene: MLH3 (mutL homolog 3; minus strand). Cytogenetic location: 14q24.3.
Variant type: single nucleotide variant.
Coding change: c.2356G>A on transcript NM_001040108.2 (MANE Select); coding-DNA position 2356, G replaced by A.
Protein change: p.Val786Ile; replaces valine 786 with isoleucine.
Molecular consequence: missense variant.
Genome position (GRCh38, 1-based): chr14:75,047,300, C>T on the plus strand (G>A on the coding strand, the complement: MLH3 is on the minus strand). VCF-style: chr14-75047300-C-T. GRCh37 (hg19) VCF-style: chr14-75514003-C-T.
Other names: c.2356G>A, p.Val786Ile (NM_014381.3); short protein forms V786I.
Identifiers: ClinVar variation 478025 (VCV000478025.17), dbSNP rs372089146, ClinGen allele CA7275716.